The following is an entry in ClinVar:

NM_012309.5(SHANK2):c.1297T>C (p.Trp433Arg)

Gene: SHANK2 (SH3 and multiple ankyrin repeat domains 2; minus strand). Cytogenetic location: 11q13.4.
Variant type: single nucleotide variant.
Coding change: c.1297T>C on transcript NM_012309.5 (MANE Select); coding-DNA position 1297, T replaced by C.
Protein change: p.Trp433Arg; replaces tryptophan 433 with arginine.
Molecular consequence: missense variant.
Genome position (GRCh38, 1-based): chr11:70,820,560, A>G on the plus strand (T>C on the coding strand, the complement: SHANK2 is on the minus strand). VCF-style: chr11-70820560-A-G. GRCh37 (hg19) VCF-style: chr11-70666665-A-G.
Other names: c.160T>C, p.Trp54Arg (NM_001379226.1); short protein forms W433R, W54R.
Identifiers: ClinVar variation 3358790 (VCV003358790.1).

ClinVar aggregate classification (germline): Uncertain significance (0 of 4 stars; one submission).

Conditions:
SHANK2-related disorder.

gnomAD v4.1: 9 of 716,850 alleles (0.0013%); highest among the groups gnomAD compares: Non-Finnish European, 0.0023%; no homozygotes.

Submission:

PreventionGenetics, part of Exact Sciences
Classification: Uncertain significance for SHANK2-related condition. Last evaluated: 2024-08-21. Review status: no assertion criteria provided. Collection method: clinical testing. Allele origin: germline.
Comment: The SHANK2 c.1297T>C variant is predicted to result in the amino acid substitution p.Trp433Arg. To our knowledge, this variant has not been reported in the literature. This variant is reported in 0.0017% of alleles in individuals of European (Non-Finnish) descent in gnomAD. At this time, the clinical significance of this variant is uncertain due to the absence of conclusive functional and genetic evidence.